The following is an entry in ClinVar:

NM_173630.4(RTTN):c.590G>A (p.Ser197Asn)

Gene: RTTN (rotatin; minus strand). Cytogenetic location: 18q22.2.
Variant type: single nucleotide variant.
Coding change: c.590G>A on transcript NM_173630.4 (MANE Select); coding-DNA position 590, G replaced by A.
Protein change: p.Ser197Asn; replaces serine 197 with asparagine.
Molecular consequence: missense variant. On other transcripts: 5 prime UTR variant (1).
Genome position (GRCh38, 1-based): chr18:70,197,727, C>T on the plus strand (G>A on the coding strand, the complement: RTTN is on the minus strand). VCF-style: chr18-70197727-C-T. GRCh37 (hg19) VCF-style: chr18-67864963-C-T.
Other names: c.-1964G>A (NM_001318520.2); short protein forms S197N.
Identifiers: ClinVar variation 423445 (VCV000423445.12), dbSNP rs549561642, ClinGen allele CA8996428.

ClinVar aggregate classification (germline): Uncertain significance. Review status: criteria provided, multiple submitters, no conflicts (2 of 4 stars). 3 submissions from 3 submitters: Uncertain significance (3). Last evaluated 2023-06-28.

Allele frequency attached by ClinVar (database versions not stated): 1000 Genomes Project 30x 0.00016; ExAC 0.00011; gnomAD 0.00013; 1000 Genomes Project 0.00020; TOPMed 0.00043.
gnomAD v4.1: 106 of 1,588,764 alleles (0.0067%); highest among the groups gnomAD compares: Admixed American, 0.13%; no homozygotes.

Submissions (3):

GeneDx
Classification: Uncertain significance. Last evaluated: 2023-06-28. Review status: criteria provided, single submitter. Criteria: GeneDx Variant Classification Process June 2021. Collection method: clinical testing. Allele origin: germline. Affected: yes.
Comment: In silico analysis supports that this missense variant does not alter protein structure/function; Reported in the heterozygous state along with other variants in the RTTN gene in a patient with Bachmann-Bupp syndrome who had a pathogenic variant in the OCD1 gene in the published literature (VanSickle et al., 2021); This variant is associated with the following publications: (PMID: 34477286)

Labcorp Genetics (formerly Invitae), Labcorp
Classification: Uncertain significance. Last evaluated: 2022-10-13. Review status: criteria provided, single submitter. Criteria: Invitae Variant Classification Sherloc (09022015). Collection method: clinical testing. Allele origin: germline.
Comment: This sequence change replaces serine, which is neutral and polar, with asparagine, which is neutral and polar, at codon 197 of the RTTN protein (p.Ser197Asn). This variant is present in population databases (rs549561642, gnomAD 0.1%). This variant has not been reported in the literature in individuals affected with RTTN-related conditions. ClinVar contains an entry for this variant (Variation ID: 423445). Advanced modeling of protein sequence and biophysical properties (such as structural, functional, and spatial information, amino acid conservation, physicochemical variation, residue mobility, and thermodynamic stability) performed at Invitae indicates that this missense variant is not expected to disrupt RTTN protein function. In summary, the available evidence is currently insufficient to determine the role of this variant in disease. Therefore, it has been classified as a Variant of Uncertain Significance.

Genetic Services Laboratory, University of Chicago
Classification: Uncertain significance. Last evaluated: 2019-03-05. Review status: criteria provided, single submitter. Criteria: ACMG Guidelines, 2015. Collection method: clinical testing. Allele origin: germline. Affected: no.